The following is an entry in ClinVar:

NM_000179.3(MSH6):c.2758A>G (p.Lys920Glu)

Gene: MSH6 (mutS homolog 6; plus strand). Cytogenetic location: 2p16.3.
Variant type: single nucleotide variant.
Coding change: c.2758A>G on transcript NM_000179.3 (MANE Select); coding-DNA position 2758, A replaced by G.
Protein change: p.Lys920Glu; replaces lysine 920 with glutamic acid.
Molecular consequence: missense variant.
Genome position (GRCh38, 1-based): chr2:47,800,741, A>G. VCF-style: chr2-47800741-A-G. GRCh37 (hg19) VCF-style: chr2-48027880-A-G.
Other names: c.2368A>G, p.Lys790Glu (NM_001281492.2); c.1852A>G, p.Lys618Glu (NM_001281493.2, NM_001281494.2, NM_001406814.1 and 6 more transcripts); c.2854A>G, p.Lys952Glu (NM_001406795.1, NM_001406802.1); c.2758A>G, p.Lys920Glu (NM_001406796.1, NM_001406798.1, NM_001406800.1 and 2 more transcripts); c.2461A>G, p.Lys821Glu (NM_001406797.1, NM_001406801.1, NM_001406818.1 and 10 more transcripts); c.2233A>G, p.Lys745Glu (NM_001406799.1, NM_001406806.1, NM_001406807.1); c.2680A>G, p.Lys894Glu (NM_001406804.1); c.2764A>G, p.Lys922Glu (NM_001406813.1); and 2 more; short protein forms K821E, K864E, K894E, K920E, K922E, K952E, K235E, K618E.
Identifiers: ClinVar variation 2112054 (VCV002112054.4), dbSNP rs2104422674, ClinGen allele CA346755436.

ClinVar aggregate classification (germline): Uncertain significance (1 of 4 stars; one submission).

Conditions:
Hereditary nonpolyposis colorectal neoplasms. Identifiers: MedGen C0009405, MeSH D003123.

Submission:

Labcorp Genetics (formerly Invitae), Labcorp
Classification: Uncertain significance for Hereditary nonpolyposis colorectal neoplasms. Last evaluated: 2023-07-12. Review status: criteria provided, single submitter. Criteria: Invitae Variant Classification Sherloc (09022015). Collection method: clinical testing. Allele origin: germline.
Comment: This sequence change replaces lysine, which is basic and polar, with glutamic acid, which is acidic and polar, at codon 920 of the MSH6 protein (p.Lys920Glu). This variant is not present in population databases (gnomAD no frequency). This variant has not been reported in the literature in individuals affected with MSH6-related conditions. ClinVar contains an entry for this variant (Variation ID: 2112054). Advanced modeling of protein sequence and biophysical properties (such as structural, functional, and spatial information, amino acid conservation, physicochemical variation, residue mobility, and thermodynamic stability) performed at Invitae indicates that this missense variant is not expected to disrupt MSH6 protein function. In summary, the available evidence is currently insufficient to determine the role of this variant in disease. Therefore, it has been classified as a Variant of Uncertain Significance.